The following is an entry in ClinVar:

NM_152515.5(CKAP2L):c.704C>G (p.Ala235Gly)

Gene: CKAP2L (cytoskeleton associated protein 2 like; minus strand). Cytogenetic location: 2q14.1.
Variant type: single nucleotide variant.
Coding change: c.704C>G on transcript NM_152515.5 (MANE Select); coding-DNA position 704, C replaced by G.
Protein change: p.Ala235Gly; replaces alanine 235 with glycine.
Molecular consequence: missense variant.
Genome position (GRCh38, 1-based): chr2:112,756,667, G>C on the plus strand (C>G on the coding strand, the complement: CKAP2L is on the minus strand). VCF-style: chr2-112756667-G-C. GRCh37 (hg19) VCF-style: chr2-113514244-G-C.
Other names: c.209C>G, p.Ala70Gly (NM_001304361.2); short protein forms A235G, A70G.
Identifiers: ClinVar variation 2228700 (VCV002228700.2), dbSNP rs776622742, ClinGen allele CA1836806.

ClinVar aggregate classification (germline): Uncertain significance (1 of 4 stars; one submission).

Conditions:
Inborn genetic diseases. Identifiers: MedGen C0950123, MeSH D030342.

Allele frequency attached by ClinVar (database versions not stated): ExAC 0.00001; gnomAD 0.00001; gnomAD exomes 0.00001; TOPMed 0.00003.
gnomAD v4.1: 8 of 1,600,034 alleles (0.0005%); highest among the groups gnomAD compares: Admixed American, 0.012%; no homozygotes.

Submission:

Ambry Genetics
Classification: Uncertain significance for Inborn genetic diseases. Last evaluated: 2021-01-12. Review status: criteria provided, single submitter. Criteria: Ambry Variant Classification Scheme 2023. Collection method: clinical testing. Allele origin: germline.
Comment: The c.704C>G (p.A235G) alteration is located in exon 4 (coding exon 4) of the CKAP2L gene. This alteration results from a C to G substitution at nucleotide position 704, causing the alanine (A) at amino acid position 235 to be replaced by a glycine (G). The p.A235G alteration is predicted to be tolerated by in silico analysis. Based on insufficient or conflicting evidence, the clinical significance of this alteration remains unclear.